The following is an entry in ClinVar:

NM_000053.4(ATP7B):c.3747G>A (p.Val1249=)

Gene: ATP7B (ATPase copper transporting beta; minus strand). Cytogenetic location: 13q14.3.
Variant type: single nucleotide variant.
Coding change: c.3747G>A on transcript NM_000053.4 (MANE Select); coding-DNA position 3747, G replaced by A.
Protein change: p.Val1249=; no amino-acid change (valine 1249 retained).
Molecular consequence: synonymous variant.
Genome position (GRCh38, 1-based): chr13:51,937,632, C>T on the plus strand (G>A on the coding strand, the complement: ATP7B is on the minus strand). VCF-style: chr13-51937632-C-T. GRCh37 (hg19) VCF-style: chr13-52511768-C-T.
Other names: c.3747G>A (NM_000053.3); c.3126G>A, p.Val1042= (NM_001005918.3); c.3414G>A, p.Val1138= (NM_001243182.2); c.3513G>A, p.Val1171= (NM_001330578.2); c.3495G>A, p.Val1165= (NM_001330579.2).
Identifiers: ClinVar variation 1094009 (VCV001094009.11), dbSNP rs572110753, ClinGen allele CA6988574.
Genomic context (GRCh38, chr13:51,937,632, plus strand): 5'-GACCCCATCCCCCACCATGGCGACTTTCTTCCCTTTATTCTGGAGCTCCTGGACCTTGGC[C>T]ACCTTGTGCGAAGGCAGCACCTCTGCAAAGACTTTGTTGATGCCAACCTAAGACAAAAGG-3'
Protein context (NP_000044.2, residues 1239-1259): VFAEVLPSHK[Val1249=]AKVQELQNKG

ClinVar aggregate classification (germline): Conflicting classifications of pathogenicity. Review status: criteria provided, conflicting classifications (1 of 4 stars). 4 submissions from 4 submitters: Uncertain significance (2); Likely benign (2). Last evaluated 2026-02-04.

Conditions:
Inborn genetic diseases. Identifiers: MedGen C0950123, MeSH D030342.
Wilson disease (WND). Also called: Wilson's disease. Identifiers: Orphanet 905, MedGen C0019202, MONDO:0010200, OMIM 277900. Disease mechanism: loss of function.

Allele frequency attached by ClinVar (database versions not stated): gnomAD exomes 0.00004 and 0.00008; gnomAD 0.00009; ExAC 0.00010; TOPMed 0.00013; 1000 Genomes Project 30x 0.00016; 1000 Genomes Project 0.00020.

Submissions (4):

Labcorp Genetics (formerly Invitae), Labcorp
Classification: Likely benign for Wilson disease. Last evaluated: 2026-02-04. Review status: criteria provided, single submitter. Criteria: Invitae Variant Classification Sherloc (09022015). Collection method: clinical testing. Allele origin: germline.

All of Us Research Program, National Institutes of Health
Classification: Uncertain significance for Wilson disease. Last evaluated: 2023-12-13. Review status: criteria provided, single submitter. Criteria: ACMG Guidelines, 2015. Collection method: clinical testing. Allele origin: germline. Inheritance: Autosomal recessive inheritance. Observed: 9 variant alleles, 9 heterozygotes.
Comment: This synonymous variant causes a G>A nucleotide change in exon 18 of the ATP7B protein. Studies in minigene assays showed this variant induced skipping of exon 18 (PMID: 33719328). This variant has not been reported in individuals affected with Wilson disease in the literature. This variant has been identified in 20/280974 chromosomes in the general population by the Genome Aggregation Database (gnomAD). The available evidence is insufficient to determine the role of this variant in disease conclusively. Therefore, this variant is classified as a Variant of Uncertain Significance.

This study involves interpretation of variants in research participants for the purpose of population health screening. Participant phenotype was not available at the time of variant classification. Additional details can be found in publication PMID: 35346344, PMCID: PMC8962531

Ambry Genetics
Classification: Likely benign for Inborn genetic diseases. Last evaluated: 2023-05-27. Review status: criteria provided, single submitter. Criteria: Ambry Variant Classification Scheme 2023. Collection method: clinical testing. Allele origin: germline.

Color Diagnostics, LLC DBA Color Health
Classification: Uncertain significance for Wilson disease. Last evaluated: 2022-08-05. Review status: criteria provided, single submitter. Criteria: ACMG Guidelines, 2015. Collection method: clinical testing. Allele origin: germline.
Comment: This synonymous variant causes a G>A nucleotide change in exon 18 of the ATP7B protein. Studies in minigene assays showed this variant induced skipping of exon 18 (PMID: 33719328). This variant has not been reported in individuals affected with Wilson disease in the literature. This variant has been identified in 20/280974 chromosomes in the general population by the Genome Aggregation Database (gnomAD). The available evidence is insufficient to determine the role of this variant in disease conclusively. Therefore, this variant is classified as a Variant of Uncertain Significance.

Literature cited by the submitters: PubMed 33719328 (cited by All of Us Research Program, National Institutes of Health and Color Diagnostics, LLC DBA Color Health).